The following is an entry in ClinVar:

ClinVar aggregate classification (germline): Likely pathogenic (1 of 4 stars; one submission).

Conditions:
Rubinstein-Taybi syndrome due to EP300 haploinsufficiency. Also called: RUBINSTEIN-TAYBI SYNDROME 2; EP300-Related Rubinstein-Taybi Syndrome. Identifiers: Orphanet 353284, Orphanet 783, MedGen C3150941, MONDO:0013364, OMIM 613684.

Submission:

3billion
Classification: Likely pathogenic for Rubinstein-Taybi syndrome due to EP300 haploinsufficiency. Last evaluated: 2021-10-02. Review status: criteria provided, single submitter. Criteria: ACMG Guidelines, 2015. Collection method: clinical testing. Allele origin: unknown. Affected: yes. Observed: 1 heterozygote.
Comment: The missense variant is located in a mutational hot spot and/or well-established functional domain in which established pathogenic variants have been reported (PM1). It is not observed in the gnomAD v2.1.1 dataset (PM2). A different missense change at the same codon (p.Arg1831Thr) has been reported as pathogenic (ClinVarID: VCV000689757.1, PM5). In silico tool predictions suggest damaging effect of the variant on gene or gene product (REVEL: 0.685, 3Cnet: 0.914, PP3). Therefore, this variant is classified as likely pathogenic according to the recommendation of ACMG/AMP guideline.

NM_001429.4(EP300):c.5493G>C (p.Arg1831Ser)

Gene: EP300 (EP300 lysine acetyltransferase; plus strand). Cytogenetic location: 22q13.2.
Variant type: single nucleotide variant.
Coding change: c.5493G>C on transcript NM_001429.4 (MANE Select); coding-DNA position 5493, G replaced by C.
Protein change: p.Arg1831Ser; replaces arginine 1831 with serine.
Molecular consequence: missense variant.
Genome position (GRCh38, 1-based): chr22:41,177,204, G>C. VCF-style: chr22-41177204-G-C. GRCh37 (hg19) VCF-style: chr22-41573208-G-C.
Other names: c.5415G>C, p.Arg1805Ser (NM_001362843.2); short protein forms R1805S, R1831S.
Identifiers: ClinVar variation 1320204 (VCV001320204.1), dbSNP rs1379274045, ClinGen allele CA411709100.
Genomic context (GRCh38, chr22:41,177,204, plus strand): 5'-GAAGCTCCGGCAGCAACAGCTGCAGCACCGACTACAGCAGGCCCAAATGCTTCGCAGGAG[G>C]ATGGCCAGCATGCAGCGGACTGGTGTGGTTGGGCAGCAACAGGGCCTCCCTTCCCCCACT-3'
Protein context (NP_001420.2, residues 1821-1841): RLQQAQMLRR[Arg1831Ser]MASMQRTGVV